The following is an entry in ClinVar:

NM_020923.3(ZDBF2):c.1492T>C (p.Cys498Arg)

Gene: ZDBF2 (zinc finger DBF-type containing 2; plus strand). Cytogenetic location: 2q33.3.
Variant type: single nucleotide variant.
Coding change: c.1492T>C on transcript NM_020923.3 (MANE Select); coding-DNA position 1492, T replaced by C.
Protein change: p.Cys498Arg; replaces cysteine 498 with arginine.
Molecular consequence: missense variant.
Genome position (GRCh38, 1-based): chr2:206,306,020, T>C. VCF-style: chr2-206306020-T-C. GRCh37 (hg19) VCF-style: chr2-207170744-T-C.
Other names: c.1486T>C, p.Cys496Arg (NM_001285549.2); c.1492T>C, p.Cys498Arg (NM_001369654.1); short protein forms C496R, C498R.
Identifiers: ClinVar variation 2104293 (VCV002104293.4), dbSNP rs2470547783, ClinGen allele CA350047289.

ClinVar aggregate classification (germline): Uncertain significance (1 of 4 stars; one submission).

Submission:

Labcorp Genetics (formerly Invitae), Labcorp
Classification: Uncertain significance. Last evaluated: 2023-08-30. Review status: criteria provided, single submitter. Criteria: Invitae Variant Classification Sherloc (09022015). Collection method: clinical testing. Allele origin: germline.
Comment: ClinVar contains an entry for this variant (Variation ID: 2104293). This sequence change replaces cysteine, which is neutral and slightly polar, with arginine, which is basic and polar, at codon 498 of the ZDBF2 protein (p.Cys498Arg). This variant is not present in population databases (gnomAD no frequency). This variant has not been reported in the literature in individuals affected with ZDBF2-related conditions. An algorithm developed to predict the effect of missense changes on protein structure and function (PolyPhen-2) suggests that this variant is likely to be tolerated. In summary, the available evidence is currently insufficient to determine the role of this variant in disease. Therefore, it has been classified as a Variant of Uncertain Significance.